The following is an entry in ClinVar:

ClinVar aggregate classification (germline): Uncertain significance (1 of 4 stars; one submission).

Conditions:
Familial hypokalemia-hypomagnesemia (GTLMNS). Also called: gitelman syndrome; HYPOMAGNESEMIA-HYPOKALEMIA, PRIMARY RENOTUBULAR, WITH HYPOCALCIURIA; POTASSIUM AND MAGNESIUM DEPLETION. Identifiers: Orphanet 358, MedGen C0268450, MONDO:0009904, OMIM 263800.

gnomAD v4.1: 1 of 1,614,032 alleles (0.000062%); no homozygotes.

Submission:

European Hospital Georges Pompidou Genetics Department, Assistance Publique - Hôpitaux de Paris AP-HP
Classification: Uncertain significance for Familial hypokalemia-hypomagnesemia. Last evaluated: 2022-04-27. Review status: criteria provided, single submitter. Criteria: ACMG Guidelines, 2015. Collection method: clinical testing. Allele origin: germline. Affected: yes.
Comment: ACMG criteria used:PM2

NM_001126108.2(SLC12A3):c.2746G>T (p.Ala916Ser)

Gene: SLC12A3 (solute carrier family 12 member 3; plus strand). Cytogenetic location: 16q13.
Variant type: single nucleotide variant.
Coding change: c.2746G>T on transcript NM_001126108.2 (MANE Select); coding-DNA position 2746, G replaced by T.
Protein change: p.Ala916Ser; replaces alanine 916 with serine.
Molecular consequence: missense variant.
Genome position (GRCh38, 1-based): chr16:56,902,398, G>T. VCF-style: chr16-56902398-G-T. GRCh37 (hg19) VCF-style: chr16-56936310-G-T.
Other names: c.2773G>T, p.Ala925Ser (NM_000339.3); c.2770G>T, p.Ala924Ser (NM_001126107.2); short protein forms A916S, A924S, A925S.
Identifiers: ClinVar variation 1684181 (VCV001684181.1), dbSNP rs2144766684, ClinGen allele CA396001139.